The following is an entry in ClinVar:

NM_000218.3(KCNQ1):c.1703G>A (p.Gly568Glu)

Gene: KCNQ1 (potassium voltage-gated channel subfamily Q member 1; plus strand). Cytogenetic location: 11p15.5.
Variant type: single nucleotide variant.
Coding change: c.1703G>A on transcript NM_000218.3 (MANE Select); coding-DNA position 1703, G replaced by A.
Protein change: p.Gly568Glu; replaces glycine 568 with glutamic acid.
Molecular consequence: missense variant.
Genome position (GRCh38, 1-based): chr11:2,777,003, G>A. VCF-style: chr11-2777003-G-A. GRCh37 (hg19) VCF-style: chr11-2798233-G-A.
Other names: c.1607G>A, p.Gly536Glu (NM_001406836.1); c.1322G>A, p.Gly441Glu (NM_181798.2); c.1433G>A, p.Gly478Glu (NM_001406837.1); c.1163G>A, p.Gly388Glu (NM_001406838.1); short protein forms G388E, G478E, G568E, G536E, G441E.
Identifiers: ClinVar variation 1778397 (VCV001778397.4), dbSNP rs199472806, ClinGen allele CA379139295.

ClinVar aggregate classification (germline): Conflicting classifications of pathogenicity. Review status: criteria provided, conflicting classifications (1 of 4 stars). 3 submissions from 3 submitters: Likely pathogenic (2); Uncertain significance (1). Last evaluated 2025-03-15.

Conditions:
Cardiovascular phenotype. Identifiers: MedGen CN230736.
KCNQ1-related disorder. Also called: KCNQ1-related condition; KCNQ1-related disorders. Identifiers: MedGen CN239322.

Submissions (3):

Rady Children's Institute for Genomic Medicine, Rady Children's Hospital San Diego
Classification: Likely pathogenic for KCNQ1-related disorders. Last evaluated: 2025-03-15. Review status: criteria provided, single submitter. Criteria: ACMG Guidelines, 2015. Collection method: clinical testing. Allele origin: germline. Affected: yes.
Comment: Missense variation is an established mechanism of disease for KCNQ1-related disorders (PMID: 10220144). The c.1703G>A (p.Gly568Glu) variant affects a moderately conserved amino acid and is predicted by multiple in silico tools to have a deleterious effect on protein function. This variant has been previously reported as a heterozygous change in a patient with syncope (PMID: 27041096). Alternate amino acid substitutions, p.Gly568Arg and p.Gly568Ala, have also been reported in individuals with LQTS (PMID: 22456477, 22949429, 22956155, 23392653, 12702160, 27485560). The c.1703G>A (p.Gly568Glu) variant is absent from the latest version of the gnomAD population database and thus is presumed to be rare. Based on parental analysis, this variant likely occurred as a de novo event. Based on the available evidence, c.1703G>A (p.Gly568Glu) is classified as Likely Pathogenic.

Blueprint Genetics
Classification: Likely pathogenic for KCNQ1-related disorders. Last evaluated: 2020-09-21. Review status: criteria provided, single submitter. Criteria: ACMG Guidelines, 2015. Collection method: clinical testing. Allele origin: germline. Affected: yes. Observed: 2 variant alleles.

Ambry Genetics
Classification: Uncertain significance for Cardiovascular phenotype. Last evaluated: 2017-12-08. Review status: criteria provided, single submitter. Criteria: Ambry Variant Classification Scheme 2023. Collection method: clinical testing. Allele origin: germline.
Comment: The p.G568E variant (also known as c.1703G>A), located in coding exon 14 of the KCNQ1 gene, results from a G to A substitution at nucleotide position 1703. The glycine at codon 568 is replaced by glutamic acid, an amino acid with similar properties. This alteration has been reported in an individual with long QT syndrome (LQTS); however, clinical details were limited (Izumi G et al. Pediatr Cardiol, 2016 Jun;37:962-70). Alternate amino acid substitutions, p.G568A and p.G568R, have also been reported in individuals with LQTS (Chen S et al. Clin. Genet., 2003 Apr;63:273-82; Tester DJ et al. Heart Rhythm, 2005 May;2:507-17). This amino acid position is highly conserved in available vertebrate species. In addition, this alteration is predicted to be deleterious by in silico analysis. Since supporting evidence is limited at this time, the clinical significance of this alteration remains unclear.

Literature cited by the submitters: PubMed 10220144 (cited by Rady Children's Institute for Genomic Medicine, Rady Children's Hospital San Diego); PubMed 27041096 (cited by Rady Children's Institute for Genomic Medicine, Rady Children's Hospital San Diego and Ambry Genetics); PubMed 22456477 (cited by Rady Children's Institute for Genomic Medicine, Rady Children's Hospital San Diego); PubMed 22949429 (cited by Rady Children's Institute for Genomic Medicine, Rady Children's Hospital San Diego); PubMed 22956155 (cited by Rady Children's Institute for Genomic Medicine, Rady Children's Hospital San Diego); PubMed 23392653 (cited by Rady Children's Institute for Genomic Medicine, Rady Children's Hospital San Diego); PubMed 12702160 (cited by Rady Children's Institute for Genomic Medicine, Rady Children's Hospital San Diego and Ambry Genetics); PubMed 27485560 (cited by Rady Children's Institute for Genomic Medicine, Rady Children's Hospital San Diego); PubMed 15840476 (cited by Ambry Genetics).